The following is an entry in ClinVar:

ClinVar aggregate classification (germline): Pathogenic (1 of 4 stars; one submission).

Conditions:
Mucopolysaccharidosis, MPS-IV-A (MPS4A). Also called: Morquio syndrome A, mild; MORQUIO SYNDROME A; GALACTOSAMINE-6-SULFATASE DEFICIENCY; GALNS DEFICIENCY; MORQUIO A DISEASE; Mucopolysaccharidosis type IV A. Identifiers: Orphanet 309297, Orphanet 582, MedGen C0086651, MONDO:0009659, OMIM 253000.

Submission:

Labcorp Genetics (formerly Invitae), Labcorp
Classification: Pathogenic for Mucopolysaccharidosis, MPS-IV-A. Last evaluated: 2023-02-24. Review status: criteria provided, single submitter. Criteria: Invitae Variant Classification Sherloc (09022015). Collection method: clinical testing. Allele origin: germline.
Comment: For these reasons, this variant has been classified as Pathogenic. This sequence change creates a premature translational stop signal (p.Lys506Serfs*3) in the GALNS gene. While this is not anticipated to result in nonsense mediated decay, it is expected to disrupt the last 17 amino acid(s) of the GALNS protein. This variant is not present in population databases (gnomAD no frequency). This variant has not been reported in the literature in individuals affected with GALNS-related conditions. This variant disrupts a region of the GALNS protein in which other variant(s) (p.Trp520Arg) have been determined to be pathogenic (PMID: 34472180). This suggests that this is a clinically significant region of the protein, and that variants that disrupt it are likely to be disease-causing.

Literature cited by the submitters: PubMed 34472180.

NM_000512.5(GALNS):c.1515del (p.Lys506fs)

Gene: GALNS (galactosamine (N-acetyl)-6-sulfatase; minus strand). Cytogenetic location: 16q24.3.
Variant type: Deletion.
Coding change: c.1515del on transcript NM_000512.5 (MANE Select); coding-DNA position 1515, one base deleted (G; older notation c.1515delG).
Protein change: p.Lys506fs; shifts the reading frame from lysine 506.
Molecular consequence: frameshift variant.
Genome position (GRCh38, 1-based): chr16:88,814,493, C deleted on the plus strand (G on the coding strand, the reverse complement: GALNS is on the minus strand); the first of 3 consecutive C bases (chr16:88,814,493-88,814,495); deleting any one gives the same sequence. VCF-style (leftmost placement, unchanged base first): chr16-88814492-TC-T. GRCh37 (hg19) VCF-style: chr16-88880900-TC-T.
Other names: c.960del, p.Lys321fs (NM_001323543.2); c.1533del, p.Lys512fs (NM_001323544.2); short protein forms K321fs, K512fs, K506fs.
Identifiers: ClinVar variation 2837133 (VCV002837133.3), dbSNP rs2508280614, ClinGen allele CA2634892725.